The following is an entry in ClinVar:

ClinVar aggregate classification (germline): Conflicting classifications of pathogenicity. Review status: criteria provided, conflicting classifications (1 of 4 stars). 3 submissions from 3 submitters: Uncertain significance (2); Likely benign (1). Last evaluated 2025-09-13.

Conditions:
Hereditary cancer-predisposing syndrome. Also called: Tumor predisposition; Neoplastic Syndromes, Hereditary; Hereditary Cancer Syndrome; Hereditary neoplastic syndrome. Identifiers: Orphanet 140162, MedGen C0027672, MeSH D009386, MONDO:0015356.
Ataxia-telangiectasia syndrome (AT). Also called: ATAXIA-TELANGIECTASIA, COMPLEMENTATION GROUP A; ATAXIA-TELANGIECTASIA, FRESNO VARIANT; Ataxia-telangiectasia; Ataxia-telangiectasia, complementation group D; AT, COMPLEMENTATION GROUP C; Ataxia-telangiectasia, complementation group E. Identifiers: Orphanet 100, MedGen C0004135, MONDO:0008840, OMIM 208900.

Submissions (3):

Labcorp Genetics (formerly Invitae), Labcorp
Classification: Uncertain significance for Ataxia-telangiectasia syndrome. Last evaluated: 2025-09-13. Review status: criteria provided, single submitter. Criteria: Invitae Variant Classification Sherloc (09022015). Collection method: clinical testing. Allele origin: germline.
Comment: This sequence change replaces serine, which is neutral and polar, with arginine, which is basic and polar, at codon 2329 of the ATM protein (p.Ser2329Arg). This variant is not present in population databases (gnomAD no frequency). This variant has not been reported in the literature in individuals affected with ATM-related conditions. ClinVar contains an entry for this variant (Variation ID: 802782). Invitae Evidence Modeling of protein sequence and biophysical properties (such as structural, functional, and spatial information, amino acid conservation, physicochemical variation, residue mobility, and thermodynamic stability) indicates that this missense variant is not expected to disrupt ATM protein function with a negative predictive value of 95%. In summary, the available evidence is currently insufficient to determine the role of this variant in disease. Therefore, it has been classified as a Variant of Uncertain Significance.

Color Diagnostics, LLC DBA Color Health
Classification: Uncertain significance for Hereditary cancer-predisposing syndrome. Last evaluated: 2023-12-05. Review status: criteria provided, single submitter. Criteria: ACMG Guidelines, 2015. Collection method: clinical testing. Allele origin: germline.
Comment: This missense variant replaces serine with arginine at codon 2329 of the ATM protein. Computational prediction suggests that this variant may not impact protein structure and function (internally defined REVEL score threshold <= 0.5, PMID: 27666373). To our knowledge, functional studies have not been reported for this variant. This variant has not been reported in individuals affected with ATM-related disorders in the literature. This variant has not been identified in the general population by the Genome Aggregation Database (gnomAD). The available evidence is insufficient to determine the role of this variant in disease conclusively. Therefore, this variant is classified as a Variant of Uncertain Significance.

Mendelics
Classification: Likely benign for Ataxia-telangiectasia syndrome. Last evaluated: 2019-05-28. Review status: criteria provided, single submitter. Criteria: Mendelics Assertion Criteria 2017. Collection method: clinical testing. Allele origin: unknown.

NM_000051.4(ATM):c.6987C>G (p.Ser2329Arg)

Genes: ATM (ATM serine/threonine kinase; plus strand), C11orf65 (chromosome 11 open reading frame 65; minus strand). Cytogenetic location: 11q22.3.
Variant type: single nucleotide variant.
Coding change: c.6987C>G on transcript NM_000051.4 (MANE Select); coding-DNA position 6987, C replaced by G.
Protein change: p.Ser2329Arg; replaces serine 2329 with arginine.
Molecular consequence: missense variant. On other transcripts: intron variant (2).
Genome position (GRCh38, 1-based): chr11:108,327,656, C>G. VCF-style: chr11-108327656-C-G. GRCh37 (hg19) VCF-style: chr11-108198383-C-G.
Other names: c.6987C>G, p.Ser2329Arg (NM_001351834.2); c.641-18585G>C (NM_001330368.2); c.*38+7564G>C (NM_001351110.2); short protein forms S2329R.
Identifiers: ClinVar variation 802782 (VCV000802782.12), dbSNP rs1591142078, ClinGen allele CA382557792.